The following is an entry in ClinVar:

ClinVar aggregate classification (germline): Benign. Review status: criteria provided, multiple submitters, no conflicts (2 of 4 stars). 3 submissions from 3 submitters: Benign (2). 1 of the submissions does not count toward it. Last evaluated 2016-03-28.

Conditions:
THBS1-related disorder. Also called: THBS1-related condition.

Allele frequency attached by ClinVar (database versions not stated): 1000 Genomes Project 0.11462; 1000 Genomes Project 30x 0.11711; gnomAD exomes 0.12704 and 0.15553; ExAC 0.13291; TOPMed 0.15915; gnomAD 0.15940 and 0.16438; ESP Exome Variant Server 0.18324.
gnomAD v4.1: 248,359 of 1,596,974 alleles (16%); highest among the groups gnomAD compares: African/African-American, 20%; 20,807 homozygotes.

Submissions (3):

Laboratory for Molecular Medicine, Mass General Brigham Personalized Medicine
Classification: Benign. Last evaluated: 2016-03-28. Review status: criteria provided, single submitter. Criteria: LMM Criteria. Collection method: clinical testing. Allele origin: germline.
Comment: Variant identified in a genome or exome case(s) and assessed due to predicted null impact of the variant or pathogenic assertions in the literature or databases. Disclaimer: This variant has not undergone full assessment. The following are preliminary notes: Frequency

Breakthrough Genomics
Classification: Benign. Review status: criteria provided, single submitter. Criteria: ACMG Guidelines, 2015. Collection method: not provided. Allele origin: germline. Inheritance: Unknown mechanism. Affected: yes.

PreventionGenetics, part of Exact Sciences
Classification: Benign for THBS1-related condition. Last evaluated: 2019-10-22. Review status: no assertion criteria provided. Collection method: clinical testing. Allele origin: germline. Not counted in ClinVar's aggregate classification.
Comment: This variant is classified as benign based on ACMG/AMP sequence variant interpretation guidelines (Richards et al. 2015 PMID: 25741868, with internal and published modifications).

NM_003246.4(THBS1):c.2868T>C (p.Asp956=)

Gene: THBS1 (thrombospondin 1; plus strand). Cytogenetic location: 15q14.
Variant type: single nucleotide variant.
Coding change: c.2868T>C on transcript NM_003246.4 (MANE Select); coding-DNA position 2868, T replaced by C.
Protein change: p.Asp956=; no amino-acid change (aspartic acid 956 retained).
Molecular consequence: synonymous variant.
Genome position (GRCh38, 1-based): chr15:39,593,100, T>C. VCF-style: chr15-39593100-T-C. GRCh37 (hg19) VCF-style: chr15-39885301-T-C.
Other names: c.2868T>C (NM_003246.3).
Identifiers: ClinVar variation 403538 (VCV000403538.7), dbSNP rs2228263, ClinGen allele CA7472338.